The following is an entry in ClinVar:

ClinVar aggregate classification (germline): Uncertain significance (1 of 4 stars; one submission).

Conditions:
Early Myoclonic Encephalopathy. Identifiers: MedGen C0270855.

Submission:

Labcorp Genetics (formerly Invitae), Labcorp
Classification: Uncertain significance for Early Myoclonic Encephalopathy. Last evaluated: 2022-06-28. Review status: criteria provided, single submitter. Criteria: Invitae Variant Classification Sherloc (09022015). Collection method: clinical testing. Allele origin: germline.
Comment: This variant has not been reported in the literature in individuals affected with JMJD1C-related conditions. In summary, the available evidence is currently insufficient to determine the role of this variant in disease. Therefore, it has been classified as a Variant of Uncertain Significance. ClinVar contains an entry for this variant (Variation ID: 581156). This variant is not present in population databases (gnomAD no frequency). This sequence change creates a premature translational stop signal (p.Val178Phefs*12) in the JMJD1C gene. It is expected to result in an absent or disrupted protein product. However, the current clinical and genetic evidence is not sufficient to establish whether loss-of-function variants in JMJD1C cause disease.

NM_032776.3(JMJD1C):c.532del (p.Val178fs)

Gene: JMJD1C (jumonji domain containing 1C; minus strand). Cytogenetic location: 10q21.3.
Variant type: Deletion.
Coding change: c.532del on transcript NM_032776.3 (MANE Select); coding-DNA position 532, one base deleted (G; older notation c.532delG).
Protein change: p.Val178fs; shifts the reading frame from valine 178.
Molecular consequence: frameshift variant. On other transcripts: 5 prime UTR variant (3), intron variant (2).
Genome position (GRCh38, 1-based): chr10:63,219,899, C deleted on the plus strand (G on the coding strand, the reverse complement: JMJD1C is on the minus strand); the first of 2 consecutive C bases (chr10:63,219,899-63,219,900); deleting either gives the same sequence. VCF-style (leftmost placement, unchanged base first): chr10-63219898-AC-A. GRCh37 (hg19) VCF-style: chr10-64979658-AC-A.
Other names: c.-15del (NM_001282948.2, NM_001318154.2); c.-337del (NM_001318153.2); c.418del, p.Val140fs (NM_001322252.2); c.-104-2568del (NM_001322258.2, NM_001322254.2); short protein forms V140fs, V178fs.
Identifiers: ClinVar variation 581156 (VCV000581156.6), dbSNP rs1208957255, ClinGen allele CA667310880.